The following is an entry in ClinVar:

NM_012062.5(DNM1L):c.1639C>G (p.Pro547Ala)

Gene: DNM1L (dynamin 1 like; plus strand). Cytogenetic location: 12p11.21.
Variant type: single nucleotide variant.
Coding change: c.1639C>G on transcript NM_012062.5 (MANE Select); coding-DNA position 1639, C replaced by G.
Protein change: p.Pro547Ala; replaces proline 547 with alanine.
Molecular consequence: missense variant. On other transcripts: intron variant (3).
Genome position (GRCh38, 1-based): chr12:32,737,907, C>G. VCF-style: chr12-32737907-C-G. GRCh37 (hg19) VCF-style: chr12-32890841-C-G.
Other names: c.1639C>G, p.Pro547Ala (NM_001278463.2); c.1678C>G, p.Pro560Ala (NM_001278464.2, NM_001278465.2); c.1030C>G, p.Pro344Ala (NM_001278466.2); c.1635+746C>G (NM_001330380.2); c.1597-357C>G (NM_012063.4); c.1596+746C>G (NM_005690.5); c.1639C>G (NM_012062.3); short protein forms P547A, P344A, P560A.
Identifiers: ClinVar variation 1493193 (VCV001493193.9), dbSNP rs767021397, ClinGen allele CA6507632.
Genomic context (GRCh38, chr12:32,737,907, plus strand): 5'-TGGATTTTTTGCCTTTAGTCTTCTAAAGTTCCAAGTGCTTTGGCACCTGCCTCCCAGGAG[C>G]CCTCCCCCGCTGCTTCTGCTGAGGCTGATGGCAAGGTCTGTTCTGATTCTTAATCTAAGC-3'
Protein context (NP_036192.2, residues 537-557): PSALAPASQE[Pro547Ala]SPAASAEADG

ClinVar aggregate classification (germline): Uncertain significance. Review status: criteria provided, multiple submitters, no conflicts (2 of 4 stars). 2 submissions from 2 submitters: Uncertain significance (2). Last evaluated 2025-09-28.

Conditions:
Inborn genetic diseases. Identifiers: MedGen C0950123, MeSH D030342.

gnomAD v4.1: 11 of 1,613,956 alleles (0.00068%); highest among the groups gnomAD compares: South Asian, 0.012%; no homozygotes.

Submissions (2):

Ambry Genetics
Classification: Uncertain significance for Inborn genetic diseases. Last evaluated: 2025-09-28. Review status: criteria provided, single submitter. Criteria: Ambry Variant Classification Scheme 2023. Collection method: clinical testing. Allele origin: germline.

Labcorp Genetics (formerly Invitae), Labcorp
Classification: Uncertain significance. Last evaluated: 2021-05-05. Review status: criteria provided, single submitter. Criteria: Invitae Variant Classification Sherloc (09022015). Collection method: clinical testing. Allele origin: germline.
Comment: This variant is present in population databases (rs767021397, ExAC 0.006%). In summary, the available evidence is currently insufficient to determine the role of this variant in disease. Therefore, it has been classified as a Variant of Uncertain Significance. Algorithms developed to predict the effect of missense changes on protein structure and function are either unavailable or do not agree on the potential impact of this missense change (SIFT: "Deleterious"; PolyPhen-2: "Benign"; Align-GVGD: "Class C0"). This variant has not been reported in the literature in individuals with DNM1L-related conditions. This sequence change replaces proline with alanine at codon 547 of the DNM1L protein (p.Pro547Ala). The proline residue is moderately conserved and there is a small physicochemical difference between proline and alanine.